The following is an entry in ClinVar:

NM_005506.4(SCARB2):c.1265C>T (p.Ala422Val)

Gene: SCARB2 (scavenger receptor class B member 2; minus strand). Cytogenetic location: 4q21.1.
Variant type: single nucleotide variant.
Coding change: c.1265C>T on transcript NM_005506.4 (MANE Select); coding-DNA position 1265, C replaced by T.
Protein change: p.Ala422Val; replaces alanine 422 with valine.
Molecular consequence: missense variant.
Genome position (GRCh38, 1-based): chr4:76,163,358, G>A on the plus strand (C>T on the coding strand, the complement: SCARB2 is on the minus strand). VCF-style: chr4-76163358-G-A. GRCh37 (hg19) VCF-style: chr4-77084511-G-A.
Other names: c.836C>T, p.Ala279Val (NM_001204255.2); short protein forms A422V, A279V.
Identifiers: ClinVar variation 531799 (VCV000531799.7), dbSNP rs756606813, ClinGen allele CA2970129.

ClinVar aggregate classification (germline): Uncertain significance (1 of 4 stars; one submission).

Conditions:
Progressive myoclonic epilepsy. Also called: Myoclonic Epilepsies, Progressive; Progressive myoclonus epilepsy; Myoclonus epilepsy; Familial progressive myoclonic epilepsy. Identifiers: Orphanet 308, Orphanet 98261, MedGen C0751778, MONDO:0020074.

Allele frequency attached by ClinVar (database versions not stated): gnomAD exomes 0.00001 and 0.00007; TOPMed 0.00003; ExAC 0.00006; gnomAD 0.00003.
gnomAD v4.1: 24 of 1,614,032 alleles (0.0015%); highest among the groups gnomAD compares: East Asian, 0.047%; no homozygotes.

Submission:

Labcorp Genetics (formerly Invitae), Labcorp
Classification: Uncertain significance for Progressive myoclonic epilepsy. Last evaluated: 2026-01-26. Review status: criteria provided, single submitter. Criteria: Invitae Variant Classification Sherloc (09022015). Collection method: clinical testing. Allele origin: germline.
Comment: This sequence change replaces alanine, which is neutral and non-polar, with valine, which is neutral and non-polar, at codon 422 of the SCARB2 protein (p.Ala422Val). This variant is present in population databases (rs756606813, gnomAD 0.1%). This variant has not been reported in the literature in individuals affected with SCARB2-related conditions. ClinVar contains an entry for this variant (Variation ID: 531799). Invitae Evidence Modeling of protein sequence and biophysical properties (such as structural, functional, and spatial information, amino acid conservation, physicochemical variation, residue mobility, and thermodynamic stability) indicates that this missense variant is not expected to disrupt SCARB2 protein function with a negative predictive value of 80%. In summary, the available evidence is currently insufficient to determine the role of this variant in disease. Therefore, it has been classified as a Variant of Uncertain Significance.